The following is an entry in ClinVar:

NM_000257.4(MYH7):c.3235C>T (p.Arg1079Trp)

Gene: MYH7 (myosin heavy chain 7; minus strand). Cytogenetic location: 14q11.2.
Variant type: single nucleotide variant.
Coding change: c.3235C>T on transcript NM_000257.4 (MANE Select); coding-DNA position 3235, C replaced by T.
Protein change: p.Arg1079Trp; replaces arginine 1079 with tryptophan.
Molecular consequence: missense variant.
Genome position (GRCh38, 1-based): chr14:23,422,190, G>A on the plus strand (C>T on the coding strand, the complement: MYH7 is on the minus strand). VCF-style: chr14-23422190-G-A. GRCh37 (hg19) VCF-style: chr14-23891399-G-A.
Other names: short protein forms R1079W.
Identifiers: ClinVar variation 164304 (VCV000164304.32), dbSNP rs192722540, ClinGen allele CA013466.
Genomic context (GRCh38, chr14:23,422,190, plus strand): 5'-ACTGTTATGGGCTGGGGAGGAGGAAGGGCAGCAGGGAGGGGACACAGTACTTTTTCAGCC[G>A]CTCATCCAGCTGCTGCTTGTCATTCTCCAGGTCCATGATGCTCTCCTGGGTCAGCTTCAG-3'
Protein context (NP_000248.2, residues 1069-1089): LENDKQQLDE[Arg1079Trp]LKKKDFELNA

ClinVar aggregate classification (germline): Conflicting classifications of pathogenicity. Review status: criteria provided, conflicting classifications (1 of 4 stars). 14 submissions from 11 submitters: Uncertain significance (9); Likely benign (5). Last evaluated 2025-11-10.

Conditions:
MYH7-related skeletal myopathy. Also called: Laing early-onset distal myopathy; Myopathy, distal, 1; MYOPATHY, DISTAL, EARLY-ONSET, AUTOSOMAL DOMINANT; MYOPATHY, LATE DISTAL HEREDITARY; Laing distal myopathy. Identifiers: Orphanet 59135, MedGen C4552004, MONDO:0008050, OMIM 160500.
Myosin storage myopathy (CMYO7A). Also called: SCAPULOPERONEAL MUSCULAR DYSTROPHY; SCAPULOPERONEAL SYNDROME, MYOPATHIC TYPE; MYOPATHY WITH LYSIS OF TYPE I MYOFIBRILS; MYOPATHY, HYALINE BODY, AUTOSOMAL DOMINANT; MYH7-related late-onset scapuloperoneal muscular dystrophy; Congenital myopathy 7A, myosin storage, autosomal dominant. Identifiers: Orphanet 437572, Orphanet 636965, MedGen C1842160, MONDO:0008409, OMIM 608358.
Cardiovascular phenotype. Identifiers: MedGen CN230736.
Cardiomyopathy (CMYO). Also called: Cardiomyopathies. Identifiers: Orphanet 167848, MedGen C0878544, MONDO:0004994, HP:0001638. Inheritance: Various modes of inheritance.
Dilated cardiomyopathy 1S (CMD1S). Identifiers: Orphanet 154, Orphanet 54260, MedGen C1834481, MONDO:0013262, OMIM 613426.
Hypertrophic cardiomyopathy 1 (CMH1). Also called: Familial hypertrophic cardiomyopathy 1; MYH7-Related Familial Hypertrophic Cardiomyopathy. Identifiers: MedGen C3495498, MONDO:0008647, OMIM 192600.
Primary familial hypertrophic cardiomyopathy (HCM). Identifiers: Orphanet 99739, MedGen C0949658, MeSH D024741, MONDO:0024573. Inheritance: Various modes of inheritance.
Hypertrophic cardiomyopathy. Also called: HYPERTROPHIC MYOCARDIOPATHY. Identifiers: Orphanet 217569, MedGen C0007194, MeSH D002312, MONDO:0005045, HP:0001639.

Allele frequency attached by ClinVar (database versions not stated): gnomAD 0.00001 and 0.00002; TOPMed 0.00002; 1000 Genomes Project 30x 0.00031; 1000 Genomes Project 0.00040.
gnomAD v4.1: 39 of 1,612,968 alleles (0.0024%); highest among the groups gnomAD compares: East Asian, 0.027%; no homozygotes.

Submissions 1 to 6 of 14:

Women's Health and Genetics/Laboratory Corporation of America, LabCorp
Classification: Uncertain significance. Last evaluated: 2025-11-10. Review status: criteria provided, single submitter. Criteria: LabCorp Variant Classification Summary - May 2015. Collection method: clinical testing. Allele origin: germline.
Comment: Variant summary: MYH7 c.3235C>T (p.Arg1079Trp) results in a non-conservative amino acid change in the encoded protein sequence. Algorithms developed to predict the effect of missense changes on protein structure and function all suggest that this variant is likely to be disruptive. The variant allele was found at a frequency of 5.6e-05 in 251426 control chromosomes. This frequency is not significantly higher than estimated for disease-causing variants in MYH7, allowing no conclusion about variant significance. c.3235C>T has been observed in individual(s) affected with Dilated Cardiomyopathy or sudden unexplained death (Suktitipat_2017, Sanchez_2016, Xiao_2021, Zhang_2016, Lu_2018). These data do not allow any conclusion about variant significance. To our knowledge, no experimental evidence demonstrating an impact on protein function has been reported. The following publications have been ascertained in the context of this evaluation (PMID: 30165862, 27930701, 28704380, 33996946, 27707468). ClinVar contains an entry for this variant (Variation ID: 164304). Based on the evidence outlined above, the variant was classified as uncertain significance.

All of Us Research Program, National Institutes of Health
Classification: Uncertain significance for Cardiomyopathy. Last evaluated: 2024-08-13. Review status: criteria provided, single submitter. Criteria: ACMG Guidelines, 2015. Collection method: clinical testing. Allele origin: germline. Inheritance: Autosomal dominant inheritance. Observed: 9 variant alleles, 9 heterozygotes.
Comment: This missense variant replaces arginine with tryptophan at codon 1079 of the MYH7 protein. Computational prediction is inconclusive regarding the impact of this variant on protein structure and function (internally defined REVEL score threshold 0.5 < inconclusive < 0.7, PMID: 27666373). To our knowledge, functional studies have not been reported for this variant. This variant has been reported in an individual affected with hypertrophic cardiomyopathy (PMID: 20359594), in an individual affected with dilated cardiomyopathy (PMID: 30165862), and in three individuals affected with sudden unexplained death (PMID: 27707468, 27930701, 28704380). This variant has been identified in 14/251426 chromosomes in the general population by the Genome Aggregation Database (gnomAD). The available evidence is insufficient to determine the role of this variant in disease conclusively. Therefore, this variant is classified as a Variant of Uncertain Significance.

This study involves interpretation of variants in research participants for the purpose of population health screening. Participant phenotype was not available at the time of variant classification. Additional details can be found in publication PMID: 35346344, PMCID: PMC8962531

Color Diagnostics, LLC DBA Color Health
Classification: Uncertain significance for Cardiomyopathy. Last evaluated: 2024-07-24. Review status: criteria provided, single submitter. Criteria: ACMG Guidelines, 2015. Collection method: clinical testing. Allele origin: germline.
Comment: This missense variant replaces arginine with tryptophan at codon 1079 of the MYH7 protein. Computational prediction tools indicate that this variant's impact on protein structure and function is inconclusive. To our knowledge, functional studies have not been reported for this variant. This variant has been reported in an individual affected with hypertrophic cardiomyopathy (PMID: 20359594), in an individual affected with dilated cardiomyopathy (PMID: 30165862), and in three individuals affected with sudden unexplained death (PMID: 27707468, 27930701, 28704380). This variant has been identified in 14/251426 chromosomes in the general population by the Genome Aggregation Database (gnomAD). The available evidence is insufficient to determine the role of this variant in disease conclusively. Therefore, this variant is classified as a Variant of Uncertain Significance.

Ambry Genetics
Classification: Likely benign for Cardiovascular phenotype. Last evaluated: 2024-07-06. Review status: criteria provided, single submitter. Criteria: Ambry Variant Classification Scheme 2023. Collection method: clinical testing. Allele origin: germline.

Labcorp Genetics (formerly Invitae), Labcorp
Classification: Uncertain significance for Hypertrophic cardiomyopathy. Last evaluated: 2024-01-29. Review status: criteria provided, single submitter. Criteria: Invitae Variant Classification Sherloc (09022015). Collection method: clinical testing. Allele origin: germline.
Comment: This sequence change replaces arginine, which is basic and polar, with tryptophan, which is neutral and slightly polar, at codon 1079 of the MYH7 protein (p.Arg1079Trp). This variant is present in population databases (rs192722540, gnomAD 0.05%). This missense change has been observed in individual(s) with clinical features of MYH7-related conditions (PMID: 27930701, 28704380, 33996946). ClinVar contains an entry for this variant (Variation ID: 164304). Advanced modeling of protein sequence and biophysical properties (such as structural, functional, and spatial information, amino acid conservation, physicochemical variation, residue mobility, and thermodynamic stability) performed at Invitae indicates that this missense variant is expected to disrupt MYH7 protein function with a positive predictive value of 95%. In summary, the available evidence is currently insufficient to determine the role of this variant in disease. Therefore, it has been classified as a Variant of Uncertain Significance.

Revvity Omics, Revvity
Classification: Uncertain significance. Last evaluated: 2022-06-24. Review status: criteria provided, single submitter. Criteria: ACMG Guidelines, 2015. Collection method: clinical testing. Allele origin: germline.